The following is an entry in ClinVar:

ClinVar aggregate classification (germline): Uncertain significance (1 of 4 stars; one submission).

Allele frequency attached by ClinVar (database versions not stated): gnomAD exomes below 0.00001.
gnomAD v4.1: 7 of 1,611,988 alleles (0.00043%); highest among the groups gnomAD compares: Non-Finnish European, 0.00059%; no homozygotes.

Submission:

Labcorp Genetics (formerly Invitae), Labcorp
Classification: Uncertain significance. Last evaluated: 2024-08-13. Review status: criteria provided, single submitter. Criteria: Invitae Variant Classification Sherloc (09022015). Collection method: clinical testing. Allele origin: germline.
Comment: This sequence change replaces histidine, which is basic and polar, with arginine, which is basic and polar, at codon 840 of the VARS2 protein (p.His840Arg). This variant is not present in population databases (gnomAD no frequency). This variant has not been reported in the literature in individuals affected with VARS2-related conditions. ClinVar contains an entry for this variant (Variation ID: 1466244). Advanced modeling of protein sequence and biophysical properties (such as structural, functional, and spatial information, amino acid conservation, physicochemical variation, residue mobility, and thermodynamic stability) performed at Invitae indicates that this missense variant is not expected to disrupt VARS2 protein function with a negative predictive value of 80%. In summary, the available evidence is currently insufficient to determine the role of this variant in disease. Therefore, it has been classified as a Variant of Uncertain Significance.

NM_020442.6(VARS2):c.2429A>G (p.His810Arg)

Gene: VARS2 (valyl-tRNA synthetase 2, mitochondrial; plus strand). Cytogenetic location: 6p21.33.
Variant type: single nucleotide variant.
Coding change: c.2429A>G on transcript NM_020442.6 (MANE Select); coding-DNA position 2429, A replaced by G.
Protein change: p.His810Arg; replaces histidine 810 with arginine.
Molecular consequence: missense variant.
Genome position (GRCh38, 1-based): chr6:30,923,468, A>G. VCF-style: chr6-30923468-A-G. GRCh37 (hg19) VCF-style: chr6-30891245-A-G.
Other names: c.2009A>G, p.His670Arg (NM_001167733.3); c.2519A>G, p.His840Arg (NM_001167734.2); short protein forms H670R, H810R, H840R.
Identifiers: ClinVar variation 1466244 (VCV001466244.6), dbSNP rs1282826801, ClinGen allele CA363175731.